The following is an entry in ClinVar:

NM_138694.4(PKHD1):c.4265G>C (p.Arg1422Pro)

Gene: PKHD1 (PKHD1 ciliary IPT domain containing fibrocystin/polyductin; minus strand). Cytogenetic location: 6p12.2.
Variant type: single nucleotide variant.
Coding change: c.4265G>C on transcript NM_138694.4 (MANE Select); coding-DNA position 4265, G replaced by C.
Protein change: p.Arg1422Pro; replaces arginine 1422 with proline.
Molecular consequence: missense variant.
Genome position (GRCh38, 1-based): chr6:52,025,545, C>G on the plus strand (G>C on the coding strand, the complement: PKHD1 is on the minus strand). VCF-style: chr6-52025545-C-G. GRCh37 (hg19) VCF-style: chr6-51890343-C-G.
Other names: c.4265G>C, p.Arg1422Pro (NM_170724.3); short protein forms R1422P.
Identifiers: ClinVar variation 285782 (VCV000285782.10), dbSNP rs557773345, ClinGen allele CA10605245.
Genomic context (GRCh38, chr6:52,025,545, plus strand): 5'-AGAATGGTGTGGTCTCCCAAACTCAAAATCACACAAGTAAAAGGACCCGAGAGGTCAACC[C>G]GAACTGACCTCCTTCTAGAGTTAAGAAGCAACCCCCTCACAGTAAGTATGGTCCCACCAC-3'
Protein context (NP_619639.3, residues 1412-1432): LLLNSRRRSV[Arg1422Pro]VDLSGPFTCV

ClinVar aggregate classification (germline): Uncertain significance. Review status: criteria provided, multiple submitters, no conflicts (2 of 4 stars). 3 submissions from 3 submitters: Uncertain significance (3). Last evaluated 2024-11-19.

Conditions:
PKHD1-related disorder. Also called: PKHD1-related condition.

Submissions (3):

GeneDx
Classification: Uncertain significance. Last evaluated: 2024-11-19. Review status: criteria provided, single submitter. Criteria: GeneDx Variant Classification Process June 2021. Collection method: clinical testing. Allele origin: germline. Affected: yes.
Comment: Not observed at significant frequency in large population cohorts (gnomAD); In silico analysis indicates that this missense variant does not alter protein structure/function; Has not been previously published as pathogenic or benign to our knowledge

PreventionGenetics, part of Exact Sciences
Classification: Uncertain significance for PKHD1-related condition. Last evaluated: 2024-11-15. Review status: criteria provided, single submitter. Criteria: ACMG Guidelines, 2015. Collection method: clinical testing. Allele origin: germline.
Comment: The PKHD1 c.4265G>C variant is predicted to result in the amino acid substitution p.Arg1422Pro. To our knowledge, this variant has not been reported in the literature or in a large population database (gnomAD), indicating this variant is rare. At this time, the clinical significance of this variant is uncertain due to the absence of conclusive functional and genetic evidence.

Eurofins Ntd Llc (ga)
Classification: Uncertain significance. Last evaluated: 2016-02-04. Review status: criteria provided, single submitter. Criteria: EGL Classification Definitions 2015. Collection method: clinical testing. Allele origin: germline. Observed: 1 variant allele, 1 heterozygote.